The following is an entry in ClinVar:

ClinVar aggregate classification (germline): Pathogenic (1 of 4 stars; one submission).

Conditions:
Ataxia-telangiectasia syndrome (AT). Also called: Ataxia-telangiectasia, complementation group D; AT, COMPLEMENTATION GROUP C; ATAXIA-TELANGIECTASIA, COMPLEMENTATION GROUP A; ATAXIA-TELANGIECTASIA, FRESNO VARIANT; Ataxia-telangiectasia; Ataxia-telangiectasia, complementation group E. Identifiers: Orphanet 100, MedGen C0004135, MONDO:0008840, OMIM 208900.

Submission:

Labcorp Genetics (formerly Invitae), Labcorp
Classification: Pathogenic for Ataxia-telangiectasia syndrome. Last evaluated: 2024-02-02. Review status: criteria provided, single submitter. Criteria: Invitae Variant Classification Sherloc (09022015). Collection method: clinical testing. Allele origin: germline.
Comment: This sequence change creates a premature translational stop signal (p.Met2918Trpfs*20) in the ATM gene. It is expected to result in an absent or disrupted protein product. Loss-of-function variants in ATM are known to be pathogenic (PMID: 23807571, 25614872). This variant is not present in population databases (gnomAD no frequency). This variant has not been reported in the literature in individuals affected with ATM-related conditions. For these reasons, this variant has been classified as Pathogenic.

Literature cited by the submitters: PubMed 23807571; PubMed 25614872.

NM_000051.4(ATM):c.8751del (p.Met2918fs)

Genes: ATM (ATM serine/threonine kinase; plus strand), C11orf65 (chromosome 11 open reading frame 65; minus strand). Cytogenetic location: 11q22.3.
Variant type: Deletion.
Coding change: c.8751del on transcript NM_000051.4 (MANE Select); coding-DNA position 8751, one base deleted (C; older notation c.8751delC).
Protein change: p.Met2918fs; shifts the reading frame from methionine 2918.
Molecular consequence: frameshift variant. On other transcripts: intron variant (2).
Genome position (GRCh38, 1-based): chr11:108,353,845, C deleted. VCF-style (leftmost placement, unchanged base first): chr11-108353844-GC-G. GRCh37 (hg19) VCF-style: chr11-108224571-GC-G.
Other names: c.8751del, p.Met2918fs (NM_001351834.2); c.640+32075del (NM_001330368.2); c.695-18553del (NM_001351110.2); short protein forms M2918fs.
Identifiers: ClinVar variation 3638286 (VCV003638286.2).
Genomic context (GRCh38, chr11:108,353,844, plus strand): 5'-GCAAAATCCTTCCTACTCCTGAGACAGTTCCTTTTAGACTCACCAGAGATATTGTGGATG[GC>G]ATGGGCATTACGGGTGTTGAAGGTGTCTTCAGAAGGTAAGTGATATGAAGTAAAGGAGGG-3'